The following is an entry in ClinVar:

ClinVar aggregate classification (germline): Uncertain significance. Review status: criteria provided, multiple submitters, no conflicts (2 of 4 stars). 3 submissions from 3 submitters: Uncertain significance (3). Last evaluated 2023-08-09.

Conditions:
Ullrich congenital muscular dystrophy 1A. Also called: Intermediate COL6-RD; Ullrich congenital muscular dystrophy 1. Identifiers: Orphanet 75840, MedGen C0410179, MONDO:0009681, OMIM 254090.
Bethlem myopathy 1A. Also called: Bethlem Muscular Dystrophy; MYOPATHY, BENIGN CONGENITAL, WITH CONTRACTURES; Bethlem myopathy 1. Identifiers: Orphanet 610, MedGen CN029274, MONDO:0024530, OMIM 158810.

Allele frequency attached by ClinVar (database versions not stated): gnomAD exomes below 0.00001.
gnomAD v4.1: 1 of 1,612,962 alleles (0.000062%); highest among the groups gnomAD compares: Non-Finnish European, 0.000085%; no homozygotes.

Submissions (3):

Labcorp Genetics (formerly Invitae), Labcorp
Classification: Uncertain significance for Bethlem myopathy 1A. Last evaluated: 2023-08-09. Review status: criteria provided, single submitter. Criteria: Invitae Variant Classification Sherloc (09022015). Collection method: clinical testing. Allele origin: germline.
Comment: This sequence change replaces serine, which is neutral and polar, with asparagine, which is neutral and polar, at codon 56 of the COL6A2 protein (p.Ser56Asn). In summary, the available evidence is currently insufficient to determine the role of this variant in disease. Therefore, it has been classified as a Variant of Uncertain Significance. Advanced modeling of protein sequence and biophysical properties (such as structural, functional, and spatial information, amino acid conservation, physicochemical variation, residue mobility, and thermodynamic stability) has been performed at Invitae for this missense variant, however the output from this modeling did not meet the statistical confidence thresholds required to predict the impact of this variant on COL6A2 protein function. ClinVar contains an entry for this variant (Variation ID: 476458). This missense change has been observed in individual(s) with clinical features of autosomal dominant Bethlem myopathy (PMID: 34167565; Invitae). This variant is not present in population databases (gnomAD no frequency).

Eurofins Ntd Llc (ga)
Classification: Uncertain significance. Last evaluated: 2017-04-06. Review status: criteria provided, single submitter. Criteria: EGL Classification Definitions 2015. Collection method: clinical testing. Allele origin: germline. Observed: 1 variant allele, 1 heterozygote.

Neuberg Centre For Genomic Medicine, NCGM
Classification: Uncertain significance for Ullrich congenital muscular dystrophy 1A. Review status: criteria provided, single submitter. Criteria: ACMG Guidelines, 2015. Collection method: clinical testing. Allele origin: germline. Inheritance: Autosomal dominant inheritance. Affected: yes.
Comment: The missense variant c.167G>Ap.Ser56Asn in the COL6A2 gene has been reported previously in an individual affected with collagen VI-related dystrophy Inoue et al., 2021. The variant is novel not in any individuals in gnomAD Exomes and 1000 Genomes. It is submitted to ClinVar as Uncertain significance. However, study on multiple affected individuals and the functional impact of the variant is not available. The amino acid Serine at position 56 is changed to an Asparagine changing protein sequence and it might alter its composition and physico-chemical properties. The variant is predicted as damaging by SIFT. The amino acid change p.Ser56Asn in COL6A2 is predicted as conserved by GERP++ and PhyloP across 100 vertebrates. For these reasons, this variant has been classified as Uncertain Significance.

Literature cited by the submitters: PubMed 34167565 (cited by Labcorp Genetics (formerly Invitae), Labcorp).

NM_001849.4(COL6A2):c.167G>A (p.Ser56Asn)

Gene: COL6A2 (collagen type VI alpha 2 chain; plus strand). Cytogenetic location: 21q22.3.
Variant type: single nucleotide variant.
Coding change: c.167G>A on transcript NM_001849.4 (MANE Select); coding-DNA position 167, G replaced by A.
Protein change: p.Ser56Asn; replaces serine 56 with asparagine.
Molecular consequence: missense variant.
Genome position (GRCh38, 1-based): chr21:46,112,030, G>A. VCF-style: chr21-46112030-G-A. GRCh37 (hg19) VCF-style: chr21-47531944-G-A.
Other names: c.167G>A, p.Ser56Asn (NM_058174.3, NM_058175.3); short protein forms S56N.
Identifiers: ClinVar variation 476458 (VCV000476458.13), dbSNP rs1555871311, ClinGen allele CA410520105.
Genomic context (GRCh38, chr21:46,112,030, plus strand): 5'-GCCCCACAGAGAAGACCGACTGCCCCATCCACGTGTACTTCGTGCTGGACACCTCGGAGA[G>A]CGTCACCATGCAGTCCCCCACGGACATCCTGCTCTTCCACATGAAGCAGTTCGTGCCGCA-3'
Protein context (NP_001840.3, residues 46-66): HVYFVLDTSE[Ser56Asn]VTMQSPTDIL